The following is an entry in ClinVar:

NM_007254.4(PNKP):c.23del (p.Gly8fs)

Gene: PNKP (polynucleotide kinase 3'-phosphatase; minus strand). Cytogenetic location: 19q13.33.
Variant type: Deletion.
Coding change: c.23del on transcript NM_007254.4 (MANE Select); coding-DNA position 23, one base deleted (G; older notation c.23delG).
Protein change: p.Gly8fs; shifts the reading frame from glycine 8.
Molecular consequence: frameshift variant.
Genome position (GRCh38, 1-based): chr19:49,867,182, C deleted on the plus strand (G on the coding strand, the reverse complement: PNKP is on the minus strand); the first of 3 consecutive C bases (chr19:49,867,182-49,867,184); deleting any one gives the same sequence. VCF-style (leftmost placement, unchanged base first): chr19-49867181-GC-G. GRCh37 (hg19) VCF-style: chr19-50370438-GC-G.
Other names: short protein forms G8fs.
Identifiers: ClinVar variation 817162 (VCV000817162.1), dbSNP rs1600423552, ClinGen allele CA915953058.

ClinVar aggregate classification (germline): Likely pathogenic (1 of 4 stars; one submission).

Submission:

GeneDx
Classification: Likely pathogenic. Last evaluated: 2018-07-19. Review status: criteria provided, single submitter. Criteria: GeneDx Variant Classification (06012015). Collection method: clinical testing. Allele origin: germline. Affected: yes.
Comment: The c.23delG variant in the PNKP gene has not been reported previously as a pathogenic variant nor as a benign variant, to our knowledge. The c.23delG variant causes a frameshift starting with codon Glycine 8, changes this amino acid to an Alanine residue, and creates a premature Stop codon at position 31 of the new reading frame, denoted p.Gly8AlafsX31. This variant is predicted to cause loss of normal protein function either through protein truncation or nonsense-mediated mRNA decay. The c.23delG variant is not observed in large population cohorts (Lek et al., 2016). We interpret c.23delG as a likely pathogenic variant.